The following is an entry in ClinVar:

NM_000629.3(IFNAR1):c.1062A>C (p.Lys354Asn)

Gene: IFNAR1 (interferon alpha and beta receptor subunit 1; plus strand). Cytogenetic location: 21q22.11.
Variant type: single nucleotide variant.
Coding change: c.1062A>C on transcript NM_000629.3 (MANE Select); coding-DNA position 1062, A replaced by C.
Protein change: p.Lys354Asn; replaces lysine 354 with asparagine.
Molecular consequence: missense variant.
Genome position (GRCh38, 1-based): chr21:33,349,462, A>C. VCF-style: chr21-33349462-A-C. GRCh37 (hg19) VCF-style: chr21-34721768-A-C.
Other names: c.1062A>C, p.Lys354Asn (NM_001384498.1, NM_001384499.1, NM_001384503.1); c.300A>C, p.Lys100Asn (NM_001384500.1); c.1047A>C, p.Lys349Asn (NM_001384501.1); c.600A>C, p.Lys200Asn (NM_001384502.1); c.855A>C, p.Lys285Asn (NM_001384504.1); c.1062A>C (NM_000629.2); short protein forms K200N, K100N, K285N, K349N, K354N.
Identifiers: ClinVar variation 2152607 (VCV002152607.5), dbSNP rs2083380436, ClinGen allele CA410109234.

ClinVar aggregate classification (germline): Uncertain significance. Review status: criteria provided, multiple submitters, no conflicts (2 of 4 stars). 2 submissions from 2 submitters: Uncertain significance (2). Last evaluated 2025-11-02.

Allele frequency attached by ClinVar (database versions not stated): gnomAD 0.00001.
gnomAD v4.1: 1 of 1,611,676 alleles (0.000062%); highest among the groups gnomAD compares: Admixed American, 0.0017%; no homozygotes.

Submissions (2):

Ambry Genetics
Classification: Uncertain significance. Last evaluated: 2025-11-02. Review status: criteria provided, single submitter. Criteria: Ambry Variant Classification Scheme 2023. Collection method: clinical testing. Allele origin: germline.

Labcorp Genetics (formerly Invitae), Labcorp
Classification: Uncertain significance. Last evaluated: 2022-05-20. Review status: criteria provided, single submitter. Criteria: Invitae Variant Classification Sherloc (09022015). Collection method: clinical testing. Allele origin: germline.
Comment: In summary, the available evidence is currently insufficient to determine the role of this variant in disease. Therefore, it has been classified as a Variant of Uncertain Significance. Algorithms developed to predict the effect of missense changes on protein structure and function are either unavailable or do not agree on the potential impact of this missense change (SIFT: "Tolerated"; PolyPhen-2: "Possibly Damaging"; Align-GVGD: "Class C0"). This variant has not been reported in the literature in individuals affected with IFNAR1-related conditions. This variant is not present in population databases (gnomAD no frequency). This sequence change replaces lysine, which is basic and polar, with asparagine, which is neutral and polar, at codon 354 of the IFNAR1 protein (p.Lys354Asn).